The following is an entry in ClinVar:

ClinVar aggregate classification (germline): Benign/Likely benign. Review status: criteria provided, multiple submitters, no conflicts (2 of 4 stars). 3 submissions from 3 submitters: Benign (1); Likely benign (2). Last evaluated 2024-11-21.

Allele frequency attached by ClinVar (database versions not stated): 1000 Genomes Project 0.00180; 1000 Genomes Project 30x 0.00187; TOPMed 0.00269; gnomAD 0.00299; ExAC 0.00312; gnomAD exomes 0.00316 and 0.00430; ESP Exome Variant Server 0.00392.
gnomAD v4.1: 6,691 of 1,614,012 alleles (0.41%); highest among the groups gnomAD compares: Middle Eastern, 0.53%; 12 homozygotes.

Submissions (3):

Blueprint Genetics
Classification: Likely benign. Last evaluated: 2024-11-21. Review status: criteria provided, single submitter. Criteria: ACMG Guidelines, 2015. Collection method: clinical testing. Allele origin: germline.

CeGaT Center for Human Genetics Tuebingen
Classification: Likely benign. Last evaluated: 2023-03-01. Review status: criteria provided, single submitter. Criteria: CeGaT Center For Human Genetics Tuebingen Variant Classification Criteria Version 2. Collection method: clinical testing. Allele origin: germline. Affected: yes. Observed: 1 variant allele.
Comment: LRP1: BP4, BP7, BS2

Labcorp Genetics (formerly Invitae), Labcorp
Classification: Benign. Last evaluated: 2019-12-31. Review status: criteria provided, single submitter. Criteria: Invitae Variant Classification Sherloc (09022015). Collection method: clinical testing. Allele origin: germline.

NM_002332.3(LRP1):c.8262C>T (p.Asp2754=)

Gene: LRP1 (LDL receptor related protein 1; plus strand). Cytogenetic location: 12q13.3.
Variant type: single nucleotide variant.
Coding change: c.8262C>T on transcript NM_002332.3 (MANE Select); coding-DNA position 8262, C replaced by T.
Protein change: p.Asp2754=; no amino-acid change (aspartic acid 2754 retained).
Molecular consequence: synonymous variant.
Genome position (GRCh38, 1-based): chr12:57,195,055, C>T. VCF-style: chr12-57195055-C-T. GRCh37 (hg19) VCF-style: chr12-57588838-C-T.
Identifiers: ClinVar variation 716288 (VCV000716288.29), dbSNP rs35967775, ClinGen allele CA6644308.